The following is an entry in ClinVar:

NM_001267550.2(TTN):c.49858G>A (p.Glu16620Lys)

Genes: TTN (titin; minus strand), TTN-AS1 (TTN antisense RNA 1; plus strand). Cytogenetic location: 2q31.2.
Variant type: single nucleotide variant.
Coding change: c.49858G>A on transcript NM_001267550.2 (MANE Select); coding-DNA position 49858, G replaced by A.
Protein change: p.Glu16620Lys; replaces glutamic acid 16620 with lysine.
Molecular consequence: missense variant.
Genome position (GRCh38, 1-based): chr2:178,612,863, C>T on the plus strand (G>A on the coding strand, the complement: TTN is on the minus strand). VCF-style: chr2-178612863-C-T. GRCh37 (hg19) VCF-style: chr2-179477590-C-T.
Other names: c.44935G>A, p.Glu14979Lys (NM_001256850.1); c.22663G>A, p.Glu7555Lys (NM_003319.4); c.42154G>A, p.Glu14052Lys (NM_133378.4); c.23038G>A, p.Glu7680Lys (NM_133432.3); c.23239G>A, p.Glu7747Lys (NM_133437.4); short protein forms E14052K, E14979K, E16620K, E7555K, E7680K, E7747K.
Identifiers: ClinVar variation 4849042 (VCV004849042.1).

ClinVar aggregate classification (germline): Uncertain significance (1 of 4 stars; one submission).

gnomAD v4.1: 6 of 1,612,560 alleles (0.00037%); highest among the groups gnomAD compares: South Asian, 0.0011%; no homozygotes.

Submission:

Women's Health and Genetics/Laboratory Corporation of America, LabCorp
Classification: Uncertain significance. Last evaluated: 2026-04-27. Review status: criteria provided, single submitter. Criteria: LabCorp Variant Classification Summary - May 2015. Collection method: clinical testing. Allele origin: germline.
Comment: Variant summary: TTN c.42154G>A (p.Glu14052Lys) results in a conservative amino acid change in the encoded protein sequence. Algorithms developed to predict the effect of missense changes on protein structure and function are either unavailable or do not agree on the potential impact of this missense change. The variant was absent in 247574 control chromosomes. The available data on variant occurrences in the general population are insufficient to allow any conclusion about variant significance. To our knowledge, no occurrence of c.42154G>A in individuals affected with TTN-related conditions and no experimental evidence demonstrating its impact on protein function have been reported. No submitters have cited clinical-significance assessments for this variant to ClinVar. Based on the evidence outlined above, the variant was classified as uncertain significance.